The following is an entry in ClinVar:

ClinVar aggregate classification (germline): Uncertain significance. Review status: criteria provided, multiple submitters, no conflicts (2 of 4 stars). 4 submissions from 4 submitters: Uncertain significance (3). 1 of the submissions does not count toward it. Last evaluated 2025-06-24.

Conditions:
Medulloblastoma (MDB). Also called: Medulloblastoma, somatic; MEDULLOBLASTOMA PREDISPOSITION SYNDROME. Identifiers: Orphanet 616, MedGen C0025149, MeSH D008527, MONDO:0007959, OMIM 155255, HP:0002885.
Familial dysautonomia. Also called: HSAN III; FD. Identifiers: Orphanet 1764, MedGen C0013364, MONDO:0009131, OMIM 223900. Disease mechanism: loss of function.

Allele frequency attached by ClinVar (database versions not stated): gnomAD 0.00001; TOPMed 0.00002; gnomAD exomes 0.00006 and 0.00007; ExAC 0.00009.
gnomAD v4.1: 82 of 1,614,008 alleles (0.0051%); highest among the groups gnomAD compares: East Asian, 0.091%; no homozygotes.

Submissions (4):

Ambry Genetics
Classification: Uncertain significance. Last evaluated: 2025-06-24. Review status: criteria provided, single submitter. Criteria: Ambry Variant Classification Scheme 2023. Collection method: clinical testing. Allele origin: germline.

Fulgent Genetics
Classification: Uncertain significance for Medulloblastoma; Familial dysautonomia. Last evaluated: 2024-05-15. Review status: criteria provided, single submitter. Criteria: ACMG Guidelines, 2015. Collection method: clinical testing. Allele origin: germline.

Labcorp Genetics (formerly Invitae), Labcorp
Classification: Uncertain significance. Last evaluated: 2024-04-22. Review status: criteria provided, single submitter. Criteria: Invitae Variant Classification Sherloc (09022015). Collection method: clinical testing. Allele origin: germline.
Comment: This sequence change replaces proline, which is neutral and non-polar, with leucine, which is neutral and non-polar, at codon 1285 of the ELP1 protein (p.Pro1285Leu). This variant is present in population databases (rs199813856, gnomAD 0.03%). This variant has not been reported in the literature in individuals affected with ELP1-related conditions. ClinVar contains an entry for this variant (Variation ID: 566098). An algorithm developed to predict the effect of missense changes on protein structure and function (PolyPhen-2) suggests that this variant¬†is likely to be tolerated. In summary, the available evidence is currently insufficient to determine the role of this variant in disease. Therefore, it has been classified as a Variant of Uncertain Significance.

Natera, Inc.
Classification: Uncertain significance for Familial dysautonomia. Last evaluated: 2020-09-16. Review status: no assertion criteria provided. Collection method: clinical testing. Allele origin: germline. Not counted in ClinVar's aggregate classification.

NM_003640.5(ELP1):c.3854C>T (p.Pro1285Leu)

Gene: ELP1 (elongator acetyltransferase complex subunit 1; minus strand). Cytogenetic location: 9q31.3.
Variant type: single nucleotide variant.
Coding change: c.3854C>T on transcript NM_003640.5 (MANE Select); coding-DNA position 3854, C replaced by T.
Protein change: p.Pro1285Leu; replaces proline 1285 with leucine.
Molecular consequence: missense variant.
Genome position (GRCh38, 1-based): chr9:108,877,996, G>A on the plus strand (C>T on the coding strand, the complement: ELP1 is on the minus strand). VCF-style: chr9-108877996-G-A. GRCh37 (hg19) VCF-style: chr9-111640276-G-A.
Other names: c.3854C>T (LRG_251t1); c.3512C>T, p.Pro1171Leu (NM_001318360.2); c.2807C>T, p.Pro936Leu (NM_001330749.2); short protein forms P1285L, P936L, P1171L.
Identifiers: ClinVar variation 566098 (VCV000566098.9), dbSNP rs199813856, ClinGen allele CA5174173.